The following is an entry in ClinVar:

NM_020778.5(ALPK3):c.-96G>C

Gene: ALPK3 (alpha kinase 3; plus strand). Cytogenetic location: 15q25.3.
Variant type: single nucleotide variant.
Coding change: c.-96G>C on transcript NM_020778.5 (MANE Select); 96 bases upstream of the start codon, G replaced by C.
Molecular consequence: 5 prime UTR variant.
Genome position (GRCh38, 1-based): chr15:84,817,357, G>C. VCF-style: chr15-84817357-G-C. GRCh37 (hg19) VCF-style: chr15-85360588-G-C.
Other names: c.511G>C (NM_020778.4).
Identifiers: ClinVar variation 1345695 (VCV001345695.9), dbSNP rs1963370921, ClinGen allele CA393369063.

ClinVar aggregate classification (germline): Uncertain significance. Review status: criteria provided, multiple submitters, no conflicts (2 of 4 stars). 2 submissions from 2 submitters: Uncertain significance (2). Last evaluated 2026-05-21.

Conditions:
ALPK3-related disorder. Also called: ALPK3-related condition.

Allele frequency attached by ClinVar (database versions not stated): TOPMed below 0.00001; gnomAD 0.00001.
gnomAD v4.1: 1 of 1,233,100 alleles (0.000081%); highest among the groups gnomAD compares: Non-Finnish European, 0.0001%; no homozygotes.

Submissions (2):

PreventionGenetics, part of Exact Sciences
Classification: Uncertain significance for ALPK3-related condition. Last evaluated: 2026-05-21. Review status: criteria provided, single submitter. Criteria: ACMG Guidelines, 2015. Collection method: clinical testing. Allele origin: germline.
Comment: The ALPK3 c.511G>C variant is predicted to result in the amino acid substitution p.Gly171Arg. To our knowledge, this variant has not been reported in the literature or in a large population database (gnomAD), indicating this variant is rare. At this time, the clinical significance of this variant is uncertain due to the absence of conclusive functional and genetic evidence.

Labcorp Genetics (formerly Invitae), Labcorp
Classification: Uncertain significance. Last evaluated: 2025-05-28. Review status: criteria provided, single submitter. Criteria: Invitae Variant Classification Sherloc (09022015). Collection method: clinical testing. Allele origin: germline.
Comment: This sequence change replaces glycine, which is neutral and non-polar, with arginine, which is basic and polar, at codon 171 of the ALPK3 protein (p.Gly171Arg). This variant is not present in population databases (gnomAD no frequency). This variant has not been reported in the literature in individuals affected with ALPK3-related conditions. ClinVar contains an entry for this variant (Variation ID: 1345695). An algorithm developed to predict the effect of missense changes on protein structure and function outputs the following: PolyPhen-2: "Benign". The arginine amino acid residue is found in multiple mammalian species, which suggests that this missense change does not adversely affect protein function. In summary, the available evidence is currently insufficient to determine the role of this variant in disease. Therefore, it has been classified as a Variant of Uncertain Significance.